The following is an entry in ClinVar:

ClinVar aggregate classification (germline): Benign. Review status: criteria provided, multiple submitters, no conflicts (2 of 4 stars). 3 submissions from 3 submitters: Benign (3). Last evaluated 2026-02-05.

Conditions:
UBE3B-related disorder. Also called: UBE3B-related condition.

Allele frequency attached by ClinVar (database versions not stated): gnomAD exomes 0.00163; ExAC 0.00202; gnomAD 0.00581 and 0.00634; TOPMed 0.00651; 1000 Genomes Project 0.00659; ESP Exome Variant Server 0.00677; 1000 Genomes Project 30x 0.00687.
gnomAD v4.1: 1,855 of 1,614,070 alleles (0.11%); highest among the groups gnomAD compares: African/African-American, 2.2%; 25 homozygotes.

Submissions (3):

PreventionGenetics, part of Exact Sciences
Classification: Benign for UBE3B-related condition. Last evaluated: 2026-02-05. Review status: criteria provided, single submitter. Criteria: ACMG Guidelines, 2015. Collection method: clinical testing. Allele origin: germline.
Comment: This variant is classified as benign based on ACMG/AMP sequence variant interpretation guidelines (Richards et al. 2015 PMID: 25741868, with internal and published modifications).

Labcorp Genetics (formerly Invitae), Labcorp
Classification: Benign. Last evaluated: 2026-01-27. Review status: criteria provided, single submitter. Criteria: Invitae Variant Classification Sherloc (09022015). Collection method: clinical testing. Allele origin: germline.

Breakthrough Genomics
Classification: Benign. Review status: criteria provided, single submitter. Criteria: ACMG Guidelines, 2015. Collection method: not provided. Allele origin: germline. Inheritance: Autosomal recessive inheritance. Affected: yes.

NM_130466.4(UBE3B):c.1515C>T (p.His505=)

Gene: UBE3B (ubiquitin protein ligase E3B; plus strand). Cytogenetic location: 12q24.11.
Variant type: single nucleotide variant.
Coding change: c.1515C>T on transcript NM_130466.4 (MANE Select); coding-DNA position 1515, C replaced by T.
Protein change: p.His505=; no amino-acid change (histidine 505 retained).
Molecular consequence: synonymous variant.
Genome position (GRCh38, 1-based): chr12:109,507,628, C>T. VCF-style: chr12-109507628-C-T. GRCh37 (hg19) VCF-style: chr12-109945433-C-T.
Other names: c.1515C>T (NM_130466.3); c.1515C>T, p.His505= (NM_183415.3).
Identifiers: ClinVar variation 1624323 (VCV001624323.10), dbSNP rs114187931, ClinGen allele CA6777919.
Genomic context (GRCh38, chr12:109,507,628, plus strand): 5'-CACTTACCTTGATGACCTGCTTCCCAAACTGTGGGCATTTATCTGTGAGCTCGGGCCCCA[C>T]GGAGGGTTAAAGCTCTTCTTGGAATGCCTGAACAATGACACTGAAGAGTCCAAGCAACTC-3'
Protein context (NP_569733.2, residues 495-515): LWAFICELGP[His505=]GGLKLFLECL